The following is an entry in ClinVar:

ClinVar aggregate classification (germline): Uncertain significance (1 of 4 stars; one submission).

Conditions:
Malignant hyperthermia, susceptibility to, 1 (MHS1). Also called: Anesthesia related hyperthermia; Malignant hyperpyrexia; Fulminating hyperpyrexia; Pharmacogenic myopathy; RYR1-Related Malignant Hyperthermia Susceptibility; Malignant hyperthermia suceptibility 1. Identifiers: Orphanet 423, MedGen C2930980, MONDO:0007783, OMIM 145600.

Submission:

All of Us Research Program, National Institutes of Health
Classification: Uncertain significance for Malignant hyperthermia, susceptibility to, 1. Last evaluated: 2023-09-17. Review status: criteria provided, single submitter. Criteria: ACMG Guidelines, 2015. Collection method: clinical testing. Allele origin: germline. Inheritance: Autosomal dominant inheritance. Observed: 2 variant alleles, 2 heterozygotes.
Comment: This missense variant replaces valine with isoleucine at codon 5011 of the RYR1 protein. Computational prediction is inconclusive regarding the impact of this variant on protein structure and function (internally defined REVEL score threshold 0.5 < inconclusive < 0.7, PMID: 27666373). To our knowledge, functional studies have not been reported for this variant. This variant has not been reported in individuals affected with RYR1-related disorders in the literature. This variant has been identified in 1/251414 chromosomes in the general population by the Genome Aggregation Database (gnomAD). The available evidence is insufficient to determine the role of this variant in disease conclusively. Therefore, this variant is classified as a Variant of Uncertain Significance.

This study involves interpretation of variants in research participants for the purpose of population health screening. Participant phenotype was not available at the time of variant classification. Additional details can be found in publication PMID: 35346344, PMCID: PMC8962531

NM_000540.3(RYR1):c.15031G>A (p.Val5011Ile)

Gene: RYR1 (ryanodine receptor 1; plus strand). Cytogenetic location: 19q13.2.
Variant type: single nucleotide variant.
Coding change: c.15031G>A on transcript NM_000540.3 (MANE Select); coding-DNA position 15031, G replaced by A.
Protein change: p.Val5011Ile; replaces valine 5011 with isoleucine.
Molecular consequence: missense variant.
Genome position (GRCh38, 1-based): chr19:38,587,334, G>A. VCF-style: chr19-38587334-G-A. GRCh37 (hg19) VCF-style: chr19-39077974-G-A.
Other names: c.15016G>A, p.Val5006Ile (NM_001042723.2); short protein forms V5006I, V5011I.
Identifiers: ClinVar variation 3071063 (VCV003071063.1), dbSNP rs1484574963, ClinGen allele CA405693994.